The following is an entry in ClinVar:

ClinVar aggregate classification (germline): Likely benign (1 of 4 stars; one submission).

gnomAD v4.1: 33 of 1,608,102 alleles (0.0021%); highest among the groups gnomAD compares: Middle Eastern, 0.017%; no homozygotes.

Submission:

CeGaT Center for Human Genetics Tuebingen
Classification: Likely benign. Last evaluated: 2025-12-01. Review status: criteria provided, single submitter. Criteria: CeGaT Center For Human Genetics Tuebingen Variant Classification Criteria Version 2. Collection method: clinical testing. Allele origin: germline. Affected: yes. Observed: 1 variant allele.
Comment: PGM2L1: BP4, BP7

NM_173582.6(PGM2L1):c.1581T>C (p.His527=)

Gene: PGM2L1 (phosphoglucomutase 2 like 1; minus strand). Cytogenetic location: 11q13.4.
Variant type: single nucleotide variant.
Coding change: c.1581T>C on transcript NM_173582.6 (MANE Select); coding-DNA position 1581, T replaced by C.
Protein change: p.His527=; no amino-acid change (histidine 527 retained).
Molecular consequence: synonymous variant.
Genome position (GRCh38, 1-based): chr11:74,342,512, A>G on the plus strand (T>C on the coding strand, the complement: PGM2L1 is on the minus strand). VCF-style: chr11-74342512-A-G. GRCh37 (hg19) VCF-style: chr11-74053557-A-G.
Identifiers: ClinVar variation 4681417 (VCV004681417.5).
Genomic context (GRCh38, chr11:74,342,512, plus strand): 5'-GGTACTTACTGATTTCTTATTAGGCTGGCTACTGTCATATCCAGTGGTAACGTCCCGTAC[A>G]TGCAATATAGCAAATGTTCCACAAAATTTTGGATATTCTTTTGGAGAATCAAAATTACGA-3'
Protein context (NP_775853.2, residues 517-537): PKFCGTFAIL[His527=]VRDVTTGYDS